The following is an entry in ClinVar:

ClinVar aggregate classification (germline): Conflicting classifications of pathogenicity. Review status: criteria provided, conflicting classifications (1 of 4 stars). 5 submissions from 5 submitters: Uncertain significance (4); Likely benign (1). Last evaluated 2026-01-19.

Conditions:
Familial adenomatous polyposis 1 (FAP1). Also called: FAMILIAL ADENOMATOUS POLYPOSIS 1, ATTENUATED; POLYPOSIS, ADENOMATOUS INTESTINAL. Identifiers: MedGen C2713442, MONDO:0021056, OMIM 175100. Disease mechanism: loss of function.
Hereditary cancer-predisposing syndrome. Also called: Neoplastic Syndromes, Hereditary; Tumor predisposition; Hereditary Cancer Syndrome; Hereditary neoplastic syndrome. Identifiers: Orphanet 140162, MedGen C0027672, MeSH D009386, MONDO:0015356.

gnomAD v4.1: 2 of 1,613,984 alleles (0.00012%); highest among the groups gnomAD compares: Non-Finnish European, 0.00017%; no homozygotes.

Submissions (5):

Labcorp Genetics (formerly Invitae), Labcorp
Classification: Uncertain significance for Familial adenomatous polyposis 1. Last evaluated: 2026-01-19. Review status: criteria provided, single submitter. Criteria: Invitae Variant Classification Sherloc (09022015). Collection method: clinical testing. Allele origin: germline.
Comment: This sequence change replaces proline, which is neutral and non-polar, with leucine, which is neutral and non-polar, at codon 2284 of the APC protein (p.Pro2284Leu). This variant is present in population databases (rs200468360, gnomAD 0.0009%). This missense change has been observed in individual(s) with biliary tract cancer (PMID: 36243179). ClinVar contains an entry for this variant (Variation ID: 485093). Invitae Evidence Modeling of protein sequence and biophysical properties (such as structural, functional, and spatial information, amino acid conservation, physicochemical variation, residue mobility, and thermodynamic stability) indicates that this missense variant is not expected to disrupt APC protein function with a negative predictive value of 95%. In summary, the available evidence is currently insufficient to determine the role of this variant in disease. Therefore, it has been classified as a Variant of Uncertain Significance.

Color Diagnostics, LLC DBA Color Health
Classification: Uncertain significance for Hereditary cancer-predisposing syndrome. Last evaluated: 2025-09-03. Review status: criteria provided, single submitter. Criteria: ACMG Guidelines, 2015. Collection method: clinical testing. Allele origin: germline.
Comment: This missense variant replaces proline with leucine at codon 2284 of the APC protein. Computational prediction suggests that this variant may not impact protein structure and function. To our knowledge, functional studies have not been reported for this variant. This variant has not been reported in individuals affected with APC-related disorders in the literature. This variant has been identified in 1/250926 chromosomes in the general population by the Genome Aggregation Database (gnomAD). The available evidence is insufficient to determine the role of this variant in disease conclusively. Therefore, this variant is classified as a Variant of Uncertain Significance.

Ambry Genetics
Classification: Likely benign for Hereditary cancer-predisposing syndrome. Last evaluated: 2024-11-26. Review status: criteria provided, single submitter. Criteria: Ambry Variant Classification Scheme 2023. Collection method: clinical testing. Allele origin: germline.

Baylor Genetics
Classification: Uncertain significance for Familial adenomatous polyposis 1. Last evaluated: 2023-11-22. Review status: criteria provided, single submitter. Criteria: ACMG Guidelines, 2015. Collection method: clinical testing. Allele origin: unknown.

Sema4
Classification: Uncertain significance for Hereditary cancer-predisposing syndrome. Last evaluated: 2022-01-15. Review status: criteria provided, single submitter. Criteria: Sema4 Curation Guidelines. Collection method: curation. Allele origin: germline.
Comment: To the best of our knowledge, the APC c.6851C>T (p.P2284L) variant has not been reported in individuals with APC-related disease. This variant was observed in 1/113358 chromosomes in the European (non-Finnish) population according to the Genome Aggregation Database (PMID: 32461654), and has been reported in ClinVar (Variation ID: 485093). Functional studies have not been performed, and in silico predictions of the variant's effect on protein function are inconclusive. Based on the current evidence available, this variant is interpreted as a variant of uncertain significance.

Literature cited by the submitters: PubMed 36243179 (cited by Labcorp Genetics (formerly Invitae), Labcorp); PubMed 22863191 (cited by Ambry Genetics).

NM_000038.6(APC):c.6851C>T (p.Pro2284Leu)

Gene: APC (APC regulator of Wnt signaling pathway; plus strand). Cytogenetic location: 5q22.2.
Variant type: single nucleotide variant.
Coding change: c.6851C>T on transcript NM_000038.6 (MANE Select); coding-DNA position 6851, C replaced by T.
Protein change: p.Pro2284Leu; replaces proline 2284 with leucine.
Molecular consequence: missense variant.
Genome position (GRCh38, 1-based): chr5:112,842,445, C>T. VCF-style: chr5-112842445-C-T. GRCh37 (hg19) VCF-style: chr5-112178142-C-T.
Other names: c.6851C>T, p.Pro2284Leu (NM_001127510.3, NM_001354895.2); c.6797C>T, p.Pro2266Leu (NM_001127511.3); c.6905C>T, p.Pro2302Leu (NM_001354896.2); c.6881C>T, p.Pro2294Leu (NM_001354897.2); c.6776C>T, p.Pro2259Leu (NM_001354898.2); c.6767C>T, p.Pro2256Leu (NM_001354899.2); c.6728C>T, p.Pro2243Leu (NM_001354900.2); c.6674C>T, p.Pro2225Leu (NM_001354901.2); and 5 more; short protein forms P2266L, P2284L, P2193L, P2259L, P2294L, P2302L, P2124L, P2256L.
Identifiers: ClinVar variation 485093 (VCV000485093.17), dbSNP rs200468360, ClinGen allele CA16036289.